The following is an entry in ClinVar:

ClinVar aggregate classification (germline): Pathogenic/Likely pathogenic. Review status: criteria provided, multiple submitters, no conflicts (2 of 4 stars). 5 submissions from 5 submitters: Pathogenic (3); Likely pathogenic (1). 1 of the submissions does not count toward it. Last evaluated 2025-03-06.

Conditions:
Pulmonary hypertension, neonatal, susceptibility to (PHN). Identifiers: MedGen C3714958, MONDO:0014151, OMIM 615371.
Congenital hyperammonemia, type I. Also called: Carbamoyl-phosphate synthase I deficiency; CPS I DEFICIENCY; Carbamoyl phosphate synthetase I deficiency disease; Carbamoyl phosphate synthetase 1 deficiency; Hyperammonemia due to carbamoyl phosphate synthetase 1 deficiency; CPS 1 deficiency. Identifiers: Orphanet 147, MedGen C4082171, MONDO:0009376, OMIM 237300.

Allele frequency attached by ClinVar (database versions not stated): gnomAD exomes below 0.00001 and 0.00001; ExAC 0.00001.
gnomAD v4.1: 13 of 1,612,568 alleles (0.00081%); highest among the groups gnomAD compares: African/African-American, 0.0013%; no homozygotes.

Submissions (5):

Natera, Inc.
Classification: Pathogenic for Carbamoyl-phosphate synthase I deficiency. Last evaluated: 2025-03-06. Review status: criteria provided, single submitter. Criteria: Natera Variant Classification Schema (03/2026). Collection method: clinical testing. Allele origin: germline.
Comment: The c.712C>T variant in CPS1 is a nonsense variant predicted to introduce a stop codon at amino acid 238. This variant is expected to result in nonsense mediated decay, truncation, or a dysfunctional protein product. This variant is rare in the general population with a frequency below the threshold expected for the associated phenotype(s). This variant has been observed in one or more individuals affected with the associated recessive disease, as either homozygous or compound heterozygous with a second variant (PMID: 12655559). Given the available evidence, this variant is classified as Pathogenic.

Fulgent Genetics
Classification: Pathogenic for Congenital hyperammonemia, type I; Pulmonary hypertension, neonatal, susceptibility to. Last evaluated: 2024-05-23. Review status: criteria provided, single submitter. Criteria: ACMG Guidelines, 2015. Collection method: clinical testing. Allele origin: germline.

Labcorp Genetics (formerly Invitae), Labcorp
Classification: Pathogenic for Congenital hyperammonemia, type I. Last evaluated: 2023-12-22. Review status: criteria provided, single submitter. Criteria: Invitae Variant Classification Sherloc (09022015). Collection method: clinical testing. Allele origin: germline.
Comment: This sequence change creates a premature translational stop signal (p.Arg238*) in the CPS1 gene. It is expected to result in an absent or disrupted protein product. Loss-of-function variants in CPS1 are known to be pathogenic (PMID: 21120950). This variant is present in population databases (rs761225695, gnomAD 0.0009%). This premature translational stop signal has been observed in individual(s) with carbamylphosphate synthetase 1 deficiency (PMID: 12655559). ClinVar contains an entry for this variant (Variation ID: 558166). For these reasons, this variant has been classified as Pathogenic.

Women's Health and Genetics/Laboratory Corporation of America, LabCorp
Classification: Likely pathogenic for Congenital hyperammonemia, type I. Last evaluated: 2022-04-22. Review status: criteria provided, single submitter. Criteria: LabCorp Variant Classification Summary - May 2015. Collection method: clinical testing. Allele origin: germline.
Comment: Variant summary: CPS1 c.712C>T (p.Arg238X) results in a premature termination codon, predicted to cause a truncation of the encoded protein or absence of the protein due to nonsense mediated decay, which are commonly known mechanisms for disease. Truncations downstream of this position have been classified as pathogenic by our laboratory. This variant also affects the first nucleotide of exon 8, and therefore could affect splicing: 4/4 computational tools predict no significant impact on normal splicing. However, these predictions have yet to be confirmed by functional studies. The variant allele was found at a frequency of 4e-06 in 250820 control chromosomes (gnomAD). c.712C>T has been reported in the literature in a homozygous individual affected with Carbamoylphosphate Synthetase I Deficiency (Haberle_2003). These data indicate that the variant may be associated with disease. To our knowledge, no experimental evidence demonstrating an impact on protein function has been reported. Two ClinVar submitters have assessed the variant since 2014: one classified the variant as likely pathogenic and one as pathogenic. Based on the evidence outlined above, the variant was classified as likely pathogenic.

Counsyl
Classification: Likely pathogenic for Congenital hyperammonemia, type I. Last evaluated: 2018-05-02. Review status: no assertion criteria provided. Collection method: clinical testing. Allele origin: unknown. Not counted in ClinVar's aggregate classification.

Literature cited by the submitters: PubMed 12655559 (cited by 4 submitters); PubMed 21120950 (cited by Labcorp Genetics (formerly Invitae), Labcorp and Women's Health and Genetics/Laboratory Corporation of America, LabCorp).

NM_001875.5(CPS1):c.712C>T (p.Arg238Ter)

Gene: CPS1 (carbamoyl-phosphate synthase 1; plus strand). Cytogenetic location: 2q34.
Variant type: single nucleotide variant.
Coding change: c.712C>T on transcript NM_001875.5 (MANE Select); coding-DNA position 712, C replaced by T.
Protein change: p.Arg238Ter; replaces arginine 238 with a stop codon.
Molecular consequence: nonsense. On other transcripts: non-coding transcript variant (1).
Genome position (GRCh38, 1-based): chr2:210,590,106, C>T. VCF-style: chr2-210590106-C-T. GRCh37 (hg19) VCF-style: chr2-211454830-C-T.
Other names: c.712C>T (LRG_336t1); c.712C>T, p.Arg238Ter (NM_001122633.3, NM_001369257.1); c.745C>T, p.Arg249Ter (NM_001369256.1); short protein forms R238*, R249*.
Identifiers: ClinVar variation 558166 (VCV000558166.11), dbSNP rs761225695, ClinGen allele CA2086123.